The following is an entry in ClinVar:

ClinVar aggregate classification (germline): Uncertain significance (0 of 4 stars; one submission).

Conditions:
APC2-related disorder. Also called: APC2-Related Disorders; APC2-related condition.

gnomAD v4.1: 8 of 1,590,412 alleles (0.0005%); highest among the groups gnomAD compares: Non-Finnish European, 0.00068%; no homozygotes.

Submission:

PreventionGenetics, part of Exact Sciences
Classification: Uncertain significance for APC2-related condition. Last evaluated: 2024-03-29. Review status: no assertion criteria provided. Collection method: clinical testing. Allele origin: germline.
Comment: The APC2 c.5114C>G variant is predicted to result in the amino acid substitution p.Ala1705Gly. To our knowledge, this variant has not been reported in the literature or in a large population database, indicating this variant is rare. At this time, the clinical significance of this variant is uncertain due to the absence of conclusive functional and genetic evidence.

NM_005883.3(APC2):c.5114C>G (p.Ala1705Gly)

Gene: APC2 (APC regulator of Wnt signaling pathway 2; plus strand). Cytogenetic location: 19p13.3.
Variant type: single nucleotide variant.
Coding change: c.5114C>G on transcript NM_005883.3 (MANE Select); coding-DNA position 5114, C replaced by G.
Protein change: p.Ala1705Gly; replaces alanine 1705 with glycine.
Molecular consequence: missense variant.
Genome position (GRCh38, 1-based): chr19:1,468,415, C>G. VCF-style: chr19-1468415-C-G. GRCh37 (hg19) VCF-style: chr19-1468414-C-G.
Other names: c.5111C>G, p.Ala1704Gly (NM_001351273.1); short protein forms A1704G, A1705G.
Identifiers: ClinVar variation 3351322 (VCV003351322.1).